The following is an entry in ClinVar:

NM_015335.5(MED13L):c.338G>T (p.Gly113Val)

Gene: MED13L (mediator complex subunit 13L; minus strand). Cytogenetic location: 12q24.21.
Variant type: single nucleotide variant.
Coding change: c.338G>T on transcript NM_015335.5 (MANE Select); coding-DNA position 338, G replaced by T.
Protein change: p.Gly113Val; replaces glycine 113 with valine.
Molecular consequence: missense variant.
Genome position (GRCh38, 1-based): chr12:116,111,485, C>A on the plus strand (G>T on the coding strand, the complement: MED13L is on the minus strand). VCF-style: chr12-116111485-C-A. GRCh37 (hg19) VCF-style: chr12-116549290-C-A.
Other names: short protein forms G113V.
Identifiers: ClinVar variation 2921223 (VCV002921223.1), dbSNP rs2500383513, ClinGen allele CA386927108.

ClinVar aggregate classification (germline): Likely pathogenic (1 of 4 stars; one submission).

Conditions:
Cardiac anomalies - developmental delay - facial dysmorphism syndrome (MRFACD). Also called: Impaired intellectual development and distinctive facial features with or without cardiac defects; MED13L Syndrome. Identifiers: Orphanet 369891, MedGen C5192431, MONDO:0014773, OMIM 616789.

Submission:

ARUP Laboratories, Molecular Genetics and Genomics, ARUP Laboratories
Classification: Likely pathogenic for Cardiac anomalies - developmental delay - facial dysmorphism syndrome. Last evaluated: 2023-09-20. Review status: criteria provided, single submitter. Criteria: ARUP Molecular Germline Variant Investigation Process 2024. Collection method: clinical testing. Allele origin: germline.
Comment: The MED13L c.338G>T; p.Gly113Val variant, to our knowledge, is not reported in the medical literature or gene specific databases. This variant is only observed on one allele in the Genome Aggregation Database (v2.1.1), indicating it is not a common polymorphism. Computational analyses predict that this variant is deleterious (REVEL: 0.831). Based on available information, this variant is considered to be likely pathogenic.